The following is an entry in ClinVar:

ClinVar aggregate classification (germline): Pathogenic (1 of 4 stars; one submission).

Conditions:
Breast-ovarian cancer, familial, susceptibility to, 2 (BROVCA2). Also called: BRCA2 Hereditary Breast and Ovarian Cancer. Identifiers: Orphanet 145, MedGen C2675520, MONDO:0012933, OMIM 612555. Disease mechanism: loss of function.

Submission:

Myriad Genetics, Inc.
Classification: Pathogenic for Breast-ovarian cancer, familial, susceptibility to, 2. Last evaluated: 2025-10-14. Review status: criteria provided, single submitter. Criteria: Myriad Autosomal Dominant, Autosomal Recessive and X-Linked Classification Criteria (2023). Collection method: clinical testing. Allele origin: unknown.
Comment: This variant is considered pathogenic. This variant creates a frameshift predicted to result in premature protein truncation.

NM_000059.4(BRCA2):c.3978del (p.Ala1327fs)

Gene: BRCA2 (BRCA2 DNA repair associated; plus strand). Cytogenetic location: 13q13.1.
Variant type: Deletion.
Coding change: c.3978del on transcript NM_000059.4 (MANE Select); coding-DNA position 3978, one base deleted (T; older notation c.3978delT).
Protein change: p.Ala1327fs; shifts the reading frame from alanine 1327.
Molecular consequence: frameshift variant. On other transcripts: non-coding transcript variant (1), intron variant (2).
Genome position (GRCh38, 1-based): chr13:32,338,333, T deleted. VCF-style (leftmost placement, unchanged base first): chr13-32338332-CT-C. GRCh37 (hg19) VCF-style: chr13-32912469-CT-C.
Other names: c.3978del, p.Ala1327fs (NM_001432077.1, NM_001406719.1, NM_001406720.1); c.1909+4946del (NM_001406721.1); c.425-6225del (NM_001406722.1); short protein forms A1327fs.
Identifiers: ClinVar variation 4812976 (VCV004812976.1).